The following is an entry in ClinVar:

ClinVar aggregate classification (germline): Uncertain significance. Review status: criteria provided, multiple submitters, no conflicts (2 of 4 stars). 2 submissions from 2 submitters: Uncertain significance (2). Last evaluated 2026-06-08.

Conditions:
DST-related disorder. Also called: DST-related condition; DST-related disorders.
Epidermolysis bullosa simplex 3, localized or generalized intermediate, with BP230 deficiency (EBS3). Also called: Epidermolysis bullosa simplex, autosomal recessive 2; Epidermolysis bullosa simplex due to BP230 deficiency. Identifiers: Orphanet 412181, MedGen C3809470, MONDO:0014180, OMIM 615425.
Hereditary sensory and autonomic neuropathy type 6. Also called: HSAN VI; Neuropathy, hereditary sensory and autonomic, type VI. Identifiers: Orphanet 314381, MedGen C3539003, MONDO:0013839, OMIM 614653.

Allele frequency attached by ClinVar (database versions not stated): gnomAD exomes 0.00002 and 0.00003; ExAC 0.00003; ESP Exome Variant Server 0.00008; TOPMed 0.00014; gnomAD 0.00015 and 0.00018.
gnomAD v4.1: 79 of 1,613,770 alleles (0.0049%); highest among the groups gnomAD compares: African/African-American, 0.069%; 2 homozygotes.

Submissions (2):

PreventionGenetics, part of Exact Sciences
Classification: Uncertain significance for DST-related condition. Last evaluated: 2026-06-08. Review status: criteria provided, single submitter. Criteria: ACMG Guidelines, 2015. Collection method: clinical testing. Allele origin: germline.
Comment: The DST c.11021G>A variant is predicted to result in the amino acid substitution p.Ser3674Asn. To our knowledge, this variant has not been reported in the literature. This variant is reported in 0.029% of alleles in individuals of African descent in gnomAD. At this time, the clinical significance of this variant is uncertain due to the absence of conclusive functional and genetic evidence.

Labcorp Genetics (formerly Invitae), Labcorp
Classification: Uncertain significance for Epidermolysis bullosa simplex 3, localized or generalized intermediate, with BP230 deficiency; Hereditary sensory and autonomic neuropathy type 6. Last evaluated: 2023-08-18. Review status: criteria provided, single submitter. Criteria: Invitae Variant Classification Sherloc (09022015). Collection method: clinical testing. Allele origin: germline.
Comment: In summary, the available evidence is currently insufficient to determine the role of this variant in disease. Therefore, it has been classified as a Variant of Uncertain Significance. The DST gene has multiple clinically relevant transcripts. This variant occurs in alternate transcript NM_015548.4, and corresponds to NM_001723.5:c.*85852G>A in the primary transcript. This sequence change replaces serine, which is neutral and polar, with asparagine, which is neutral and polar, at codon 3170 of the DST protein (p.Ser3170Asn). This variant is present in population databases (rs369521830, gnomAD 0.03%). This variant has not been reported in the literature in individuals affected with DST-related conditions. Experimental studies and prediction algorithms are not available or were not evaluated, and the functional significance of this variant is currently unknown.

NM_001374736.1(DST):c.17378G>A (p.Ser5793Asn)

Gene: DST (dystonin; minus strand). Cytogenetic location: 6p12.1.
Variant type: single nucleotide variant.
Coding change: c.17378G>A on transcript NM_001374736.1 (MANE Select); coding-DNA position 17378, G replaced by A.
Protein change: p.Ser5793Asn; replaces serine 5793 with asparagine.
Molecular consequence: missense variant. On other transcripts: intron variant (2).
Genome position (GRCh38, 1-based): chr6:56,529,665, C>T on the plus strand (G>A on the coding strand, the complement: DST is on the minus strand). VCF-style: chr6-56529665-C-T. GRCh37 (hg19) VCF-style: chr6-56394463-C-T.
Other names: c.11021G>A (NM_001144769.2); c.11021G>A, p.Ser3674Asn (NM_001144769.5); c.10607G>A, p.Ser3536Asn (NM_001144770.2); c.17378G>A, p.Ser5793Asn (NM_001374722.1); c.17405G>A, p.Ser5802Asn (NM_001374734.1); c.9509G>A, p.Ser3170Asn (NM_015548.5); c.10487G>A, p.Ser3496Asn (NM_183380.4); c.10377+309G>A (NM_001374730.1); and 1 more; short protein forms S3536N, S3170N, S3496N, S5802N, S3674N, S5793N.
Identifiers: ClinVar variation 966399 (VCV000966399.11), dbSNP rs369521830, ClinGen allele CA3867444.
Genomic context (GRCh38, chr6:56,529,665, plus strand): 5'-GACCTGCTGTGACTTTTCTCTTGAATCTCAATGTACCATACTTGAGAGAAGTCTAATTTA[C>T]TCTGCACCATATCTTTATCCTCCCTGGAGCTCAAAACCTTTAAGGACTGGCCAATGCTAA-3'
Protein context (NP_001361665.1, residues 5783-5803): SSREDKDMVQ[Ser5793Asn]KLDFSQVWYI